The following is an entry in ClinVar:

ClinVar aggregate classification (germline): Uncertain significance. Review status: criteria provided, multiple submitters, no conflicts (2 of 4 stars). 6 submissions from 6 submitters: Uncertain significance (6). Last evaluated 2026-07-29.

Conditions:
VCL-related disorder. Also called: VCL-related condition.
Cardiovascular phenotype. Identifiers: MedGen CN230736.
Sudden unexplained death. Identifiers: MedGen C0520806.
Dilated cardiomyopathy 1W (CMD1W). Identifiers: Orphanet 154, MedGen C1969639, MONDO:0012667, OMIM 611407.

Allele frequency attached by ClinVar (database versions not stated): TOPMed 0.00002.
gnomAD v4.1: 23 of 1,613,970 alleles (0.0014%); highest among the groups gnomAD compares: Non-Finnish European, 0.0019%; no homozygotes.

Submissions (6):

PreventionGenetics, part of Exact Sciences
Classification: Uncertain significance for VCL-related condition. Last evaluated: 2026-07-29. Review status: criteria provided, single submitter. Criteria: ACMG Guidelines, 2015. Collection method: clinical testing. Allele origin: germline.
Comment: The VCL c.1559G>A variant is predicted to result in the amino acid substitution p.Arg520Gln. This variant has been reported in a cohort study of hypertrophic cardiomyopathy (Table S7, Walsh et al. 2017. PubMed ID: 28082330); however, it has also been documented in an individual who carried a causative variant in the MYH7 gene which could explain the clinical features (Table S3, Chung et al. 2025. PubMed ID: 40736383). This variant is reported in 0.0054% of alleles in individuals of East Asian descent in gnomAD. At this time, the clinical significance of this variant is uncertain due to the absence of conclusive functional and genetic evidence.

Ambry Genetics
Classification: Uncertain significance for Cardiovascular phenotype. Last evaluated: 2026-04-02. Review status: criteria provided, single submitter. Criteria: Ambry Variant Classification Scheme 2023. Collection method: clinical testing. Allele origin: germline.
Comment: The p.R520Q variant (also known as c.1559G>A), located in coding exon 12 of the VCL gene, results from a G to A substitution at nucleotide position 1559. The arginine at codon 520 is replaced by glutamine, an amino acid with highly similar properties. This amino acid position is highly conserved in available vertebrate species. In addition, the in silico prediction for this alteration is inconclusive. Based on the available evidence, the clinical significance of this variant remains unclear.

Blueprint Genetics
Classification: Uncertain significance. Last evaluated: 2024-08-15. Review status: criteria provided, single submitter. Criteria: ACMG Guidelines, 2015. Collection method: clinical testing. Allele origin: germline.

Mayo Clinic Laboratories, Mayo Clinic
Classification: Uncertain significance. Last evaluated: 2023-02-06. Review status: criteria provided, single submitter. Criteria: ACMG Guidelines, 2015. Collection method: clinical testing. Allele origin: germline. Observed: 1 variant allele.

Labcorp Genetics (formerly Invitae), Labcorp
Classification: Uncertain significance for Dilated cardiomyopathy 1W. Last evaluated: 2022-10-03. Review status: criteria provided, single submitter. Criteria: Invitae Variant Classification Sherloc (09022015). Collection method: clinical testing. Allele origin: germline.
Comment: This sequence change replaces arginine, which is basic and polar, with glutamine, which is neutral and polar, at codon 520 of the VCL protein (p.Arg520Gln). This variant is present in population databases (rs757009736, gnomAD 0.006%). This missense change has been observed in individual(s) with hypertrophic cardiomyopathy (Invitae). ClinVar contains an entry for this variant (Variation ID: 222888). Algorithms developed to predict the effect of missense changes on protein structure and function are either unavailable or do not agree on the potential impact of this missense change (SIFT: "Not Available"; PolyPhen-2: "Probably Damaging"; Align-GVGD: "Not Available"). In summary, the available evidence is currently insufficient to determine the role of this variant in disease. Therefore, it has been classified as a Variant of Uncertain Significance.

Agnes Ginges Centre for Molecular Cardiology, Centenary Institute
Classification: Uncertain significance for sudden unexplained death. Last evaluated: 2017-03-17. Review status: criteria provided, single submitter. Criteria: ACMG Guidelines, 2015. Collection method: research. Allele origin: germline. Affected: yes.
Comment: The VCL Arg520Gln is absent in the large Exome Aggregation Consortium dataset. Arginine (Arg) at position 520 is highly conserved across distantly related species, and computational prediction tools are supportive of a deleterious effect (SIFT "deleterious"; PolyPhen-2 "probably damaging"; MutationTaster "disease-causing"). Based on limited available information and rarity in the general population, we classify VCL Arg520Gln as a variant of "uncertain significance".

NM_014000.3(VCL):c.1559G>A (p.Arg520Gln)

Gene: VCL (vinculin; plus strand). Cytogenetic location: 10q22.2.
Variant type: single nucleotide variant.
Coding change: c.1559G>A on transcript NM_014000.3 (MANE Select); coding-DNA position 1559, G replaced by A.
Protein change: p.Arg520Gln; replaces arginine 520 with glutamine.
Molecular consequence: missense variant.
Genome position (GRCh38, 1-based): chr10:74,095,671, G>A. VCF-style: chr10-74095671-G-A. GRCh37 (hg19) VCF-style: chr10-75855429-G-A.
Other names: p.Arg520Gln; c.1559G>A, p.Arg520Gln (NM_003373.4); short protein forms R520Q.
Identifiers: ClinVar variation 222888 (VCV000222888.10), dbSNP rs757009736, ClinGen allele CA354855.
Genomic context (GRCh38, chr10:74,095,671, plus strand): 5'-TCTCCTCTGGGTCTTGTAAGTTTCATTGTTTTTCTCTTGGTCCAGGTCAGGCTGCCATCC[G>A]GGGGCTTGTGGCCGAAGGGCATCGTCTGGCTAATGTTATGATGGGGCCTTATCGGCAAGA-3'
Protein context (NP_054706.1, residues 510-530): DDRGVGQAAI[Arg520Gln]GLVAEGHRLA